The following is an entry in ClinVar:

NM_014714.4(IFT140):c.2922G>A (p.Ala974=)

Genes: IFT140 (intraflagellar transport 140; minus strand), LOC126862260 (CDK7 strongly-dependent group 2 enhancer GRCh37_chr16:1574508-1575707; plus strand). Cytogenetic location: 16p13.3.
Variant type: single nucleotide variant.
Coding change: c.2922G>A on transcript NM_014714.4 (MANE Select); coding-DNA position 2922, G replaced by A.
Protein change: p.Ala974=; no amino-acid change (alanine 974 retained).
Molecular consequence: synonymous variant.
Genome position (GRCh38, 1-based): chr16:1,524,859, C>T on the plus strand (G>A on the coding strand, the complement: IFT140 is on the minus strand). VCF-style: chr16-1524859-C-T. GRCh37 (hg19) VCF-style: chr16-1574860-C-T.
Identifiers: ClinVar variation 727460 (VCV000727460.36), dbSNP rs201864536, ClinGen allele CA7813419.

ClinVar aggregate classification (germline): Likely benign. Review status: criteria provided, multiple submitters, no conflicts (2 of 4 stars). 5 submissions from 5 submitters: Likely benign (5). Last evaluated 2026-01-28.

Conditions:
IFT140-related disorder. Also called: IFT140-related condition.
Saldino-Mainzer syndrome (SRTD9). Also called: CONORENAL SYNDROME; short-rib thoracic dysplasia 9 with or without polydactyly; SHORT-RIB THORACIC DYSPLASIA 9 WITHOUT POLYDACTYLY; Renal dysplasia, retinal pigmentary dystrophy, cerebellar ataxia and skeletal dysplasia. Identifiers: Orphanet 140969, MedGen C1849437, MONDO:0009964, OMIM 266920.
Retinal dystrophy. Also called: Inherited retinal dystrophy. Identifiers: Orphanet 71862, MedGen C0854723, MeSH D058499, MONDO:0019118, HP:0000556.

Allele frequency attached by ClinVar (database versions not stated): gnomAD exomes 0.00007 and 0.00021; ESP Exome Variant Server 0.00015; gnomAD 0.00018 and 0.00020; ExAC 0.00025; TOPMed 0.00026; 1000 Genomes Project 0.00060; 1000 Genomes Project 30x 0.00078.

Submissions (5):

Labcorp Genetics (formerly Invitae), Labcorp
Classification: Likely benign for Saldino-Mainzer syndrome. Last evaluated: 2026-01-28. Review status: criteria provided, single submitter. Criteria: Invitae Variant Classification Sherloc (09022015). Collection method: clinical testing. Allele origin: germline.

PreventionGenetics, part of Exact Sciences
Classification: Likely benign for IFT140-related condition. Last evaluated: 2025-07-22. Review status: criteria provided, single submitter. Criteria: ACMG Guidelines, 2015. Collection method: clinical testing. Allele origin: germline.
Comment: This variant is classified as likely benign based on ACMG/AMP sequence variant interpretation guidelines (Richards et al. 2015 PMID: 25741868, with internal and published modifications).

Blueprint Genetics
Classification: Likely benign. Last evaluated: 2024-02-21. Review status: criteria provided, single submitter. Criteria: ACMG Guidelines, 2015. Collection method: clinical testing. Allele origin: germline.

Dept Of Ophthalmology, Nagoya University
Classification: Likely benign for Retinal dystrophy. Last evaluated: 2023-10-01. Review status: criteria provided, single submitter. Criteria: Submitter's publication. Collection method: research. Allele origin: germline. Affected: yes.

CeGaT Center for Human Genetics Tuebingen
Classification: Likely benign. Last evaluated: 2022-07-01. Review status: criteria provided, single submitter. Criteria: CeGaT Center For Human Genetics Tuebingen Variant Classification Criteria Version 2. Collection method: clinical testing. Allele origin: germline. Affected: yes. Observed: 1 variant allele.
Comment: IFT140: BP4, BP7